The following is an entry in ClinVar:

NM_001374259.2(IL12RB2):c.2360C>T (p.Thr787Met)

Gene: IL12RB2 (interleukin 12 receptor subunit beta 2; plus strand). Cytogenetic location: 1p31.3.
Variant type: single nucleotide variant.
Coding change: c.2360C>T on transcript NM_001374259.2 (MANE Select); coding-DNA position 2360, C replaced by T.
Protein change: p.Thr787Met; replaces threonine 787 with methionine.
Molecular consequence: missense variant. On other transcripts: 3 prime UTR variant (3), non-coding transcript variant (2).
Genome position (GRCh38, 1-based): chr1:67,395,860, C>T. VCF-style: chr1-67395860-C-T. GRCh37 (hg19) VCF-style: chr1-67861543-C-T.
Other names: c.2360C>T (NM_001559.2); c.*280C>T (NM_001258214.1, NM_001319233.1); c.2102C>T, p.Thr701Met (NM_001258215.1); c.*261C>T (NM_001258216.1); c.2360C>T, p.Thr787Met (NM_001559.3); short protein forms T701M, T787M.
Identifiers: ClinVar variation 1939962 (VCV001939962.6), dbSNP rs141507006, ClinGen allele CA900717.

ClinVar aggregate classification (germline): Uncertain significance. Review status: criteria provided, multiple submitters, no conflicts (2 of 4 stars). 2 submissions from 2 submitters: Uncertain significance (2). Last evaluated 2026-01-18.

Allele frequency attached by ClinVar (database versions not stated): ExAC 0.00001; gnomAD 0.00005; ESP Exome Variant Server 0.00008; TOPMed 0.00009.
gnomAD v4.1: 92 of 1,609,320 alleles (0.0057%); highest among the groups gnomAD compares: African/African-American, 0.012%; no homozygotes.

Submissions (2):

Labcorp Genetics (formerly Invitae), Labcorp
Classification: Uncertain significance. Last evaluated: 2026-01-18. Review status: criteria provided, single submitter. Criteria: Invitae Variant Classification Sherloc (09022015). Collection method: clinical testing. Allele origin: germline.
Comment: This sequence change replaces threonine, which is neutral and polar, with methionine, which is neutral and non-polar, at codon 787 of the IL12RB2 protein (p.Thr787Met). This variant is present in population databases (rs141507006, gnomAD 0.004%). This variant has not been reported in the literature in individuals affected with IL12RB2-related conditions. ClinVar contains an entry for this variant (Variation ID: 1939962). An algorithm developed to predict the effect of missense changes on protein structure and function (PolyPhen-2) suggests that this variant is likely to be tolerated. In summary, the available evidence is currently insufficient to determine the role of this variant in disease. Therefore, it has been classified as a Variant of Uncertain Significance.

Ambry Genetics
Classification: Uncertain significance. Last evaluated: 2024-01-03. Review status: criteria provided, single submitter. Criteria: Ambry Variant Classification Scheme 2023. Collection method: clinical testing. Allele origin: germline.